The following is an entry in ClinVar:

NM_001385875.1(ZFYVE27):c.1167C>A (p.Ala389=)

Gene: ZFYVE27 (zinc finger FYVE-type containing 27; plus strand). Cytogenetic location: 10q24.2.
Variant type: single nucleotide variant.
Coding change: c.1167C>A on transcript NM_001385875.1 (MANE Select); coding-DNA position 1167, C replaced by A.
Protein change: p.Ala389=; no amino-acid change (alanine 389 retained).
Molecular consequence: synonymous variant. On other transcripts: non-coding transcript variant (17).
Genome position (GRCh38, 1-based): chr10:97,757,719, C>A. VCF-style: chr10-97757719-C-A. GRCh37 (hg19) VCF-style: chr10-99517476-C-A.
Other names: c.1182C>A, p.Ala394= (NM_001002261.4, NM_001385871.1); c.1146C>A, p.Ala382= (NM_001002262.4, NM_001385880.1, NM_001385881.1 and 2 more transcripts); c.1050C>A, p.Ala350= (NM_001174119.2, NM_001385889.1); c.888C>A, p.Ala296= (NM_001174120.2); c.867C>A, p.Ala289= (NM_001174121.2, NM_001385915.1); c.792C>A, p.Ala264= (NM_001174122.2); c.1200C>A, p.Ala400= (NM_001385876.1); c.1164C>A, p.Ala388= (NM_001385877.1); and 14 more.
Identifiers: ClinVar variation 301840 (VCV000301840.5), dbSNP rs768113258, ClinGen allele CA5635477.

ClinVar aggregate classification (germline): Likely benign (1 of 4 stars; one submission).

Conditions:
Hereditary spastic paraplegia 33. Also called: SPASTIC PARAPLEGIA 33, AUTOSOMAL DOMINANT. Identifiers: MedGen C1853251, MONDO:0012448, OMIM 610244.

Allele frequency attached by ClinVar (database versions not stated): gnomAD 0.00001; ExAC 0.00002; gnomAD exomes 0.00004.
gnomAD v4.1: 22 of 1,614,082 alleles (0.0014%); highest among the groups gnomAD compares: East Asian, 0.049%; no homozygotes.

Submission:

Illumina Laboratory Services, Illumina
Classification: Likely benign for Hereditary spastic paraplegia 33. Last evaluated: 2018-01-12. Review status: criteria provided, single submitter. Criteria: ICSL Variant Classification Criteria 13 December 2019. Collection method: clinical testing. Allele origin: germline.
Comment: This variant was observed in the ICSL laboratory as part of a predisposition screen in an ostensibly healthy population. It had not been previously curated by ICSL or reported in the Human Gene Mutation Database (HGMD: prior to June 1st, 2018), and was therefore a candidate for classification through an automated scoring system. Utilizing variant allele frequency, disease prevalence and penetrance estimates, and inheritance mode, an automated score was calculated to assess if this variant is too frequent to cause the disease. Based on the score and internal cut-off values, a variant classified as likely benign is not then subjected to further curation. The score for this variant resulted in a classification of likely benign for this disease.